The following is an entry in ClinVar:

NM_000628.5(IL10RB):c.484G>A (p.Gly162Ser)

Genes: IFNAR2-IL10RB (IFNAR2-IL10RB readthrough; plus strand), IL10RB (interleukin 10 receptor subunit beta; plus strand). Cytogenetic location: 21q22.11.
Variant type: single nucleotide variant.
Coding change: c.484G>A on transcript NM_000628.5 (MANE Select); coding-DNA position 484, G replaced by A.
Protein change: p.Gly162Ser; replaces glycine 162 with serine.
Molecular consequence: missense variant.
Genome position (GRCh38, 1-based): chr21:33,279,904, G>A. VCF-style: chr21-33279904-G-A. GRCh37 (hg19) VCF-style: chr21-34652209-G-A.
Other names: c.484G>A (NM_000628.3); short protein forms G162S.
Identifiers: ClinVar variation 339694 (VCV000339694.14), dbSNP rs770980693, ClinGen allele CA10006146.
Genomic context (GRCh38, chr21:33,279,904, plus strand): 5'-ACTTGGACTATGAAGAATGTGTATAACTCATGGACTTATAATGTGCAATACTGGAAAAAC[G>A]GTACTGATGAAAAGGTAAGGTTGGCTAATTGCATTTCAGAGGTAGTAGGCTTTCATATTC-3'
Protein context (NP_000619.3, residues 152-172): WTYNVQYWKN[Gly162Ser]TDEKFQITPQ

ClinVar aggregate classification (germline): Uncertain significance. Review status: criteria provided, multiple submitters, no conflicts (2 of 4 stars). 3 submissions from 3 submitters: Uncertain significance (3). Last evaluated 2024-03-08.

Conditions:
Inborn genetic diseases. Identifiers: MedGen C0950123, MeSH D030342.
Inflammatory bowel disease 25. Also called: Inflammatory bowel disease 25, early onset, autosomal recessive. Identifiers: Orphanet 238569, MedGen C2675508, MONDO:0012941, OMIM 612567.

Allele frequency attached by ClinVar (database versions not stated): gnomAD 0.00001; TOPMed 0.00002; gnomAD exomes 0.00003 and 0.00006; ExAC 0.00007; 1000 Genomes Project 30x 0.00016.
gnomAD v4.1: 43 of 1,613,596 alleles (0.0027%); highest among the groups gnomAD compares: East Asian, 0.022%; no homozygotes.

Submissions (3):

Ambry Genetics
Classification: Uncertain significance for Inborn genetic diseases. Last evaluated: 2024-03-08. Review status: criteria provided, single submitter. Criteria: Ambry Variant Classification Scheme 2023. Collection method: clinical testing. Allele origin: germline.

Labcorp Genetics (formerly Invitae), Labcorp
Classification: Uncertain significance for Inflammatory bowel disease 25. Last evaluated: 2023-10-13. Review status: criteria provided, single submitter. Criteria: Invitae Variant Classification Sherloc (09022015). Collection method: clinical testing. Allele origin: germline.
Comment: This sequence change replaces glycine, which is neutral and non-polar, with serine, which is neutral and polar, at codon 162 of the IL10RB protein (p.Gly162Ser). This variant is present in population databases (rs770980693, gnomAD 0.02%). This variant has not been reported in the literature in individuals affected with IL10RB-related conditions. ClinVar contains an entry for this variant (Variation ID: 339694). Advanced modeling of protein sequence and biophysical properties (such as structural, functional, and spatial information, amino acid conservation, physicochemical variation, residue mobility, and thermodynamic stability) performed at Invitae indicates that this missense variant is not expected to disrupt IL10RB protein function. In summary, the available evidence is currently insufficient to determine the role of this variant in disease. Therefore, it has been classified as a Variant of Uncertain Significance.

Illumina Laboratory Services, Illumina
Classification: Uncertain significance for Inflammatory bowel disease 25. Last evaluated: 2018-01-12. Review status: criteria provided, single submitter. Criteria: ICSL Variant Classification Criteria 13 December 2019. Collection method: clinical testing. Allele origin: germline.